The following is an entry in ClinVar:

NM_017617.5(NOTCH1):c.5321A>G (p.Lys1774Arg)

Gene: NOTCH1 (notch receptor 1; minus strand). Cytogenetic location: 9q34.3.
Variant type: single nucleotide variant.
Coding change: c.5321A>G on transcript NM_017617.5 (MANE Select); coding-DNA position 5321, A replaced by G.
Protein change: p.Lys1774Arg; replaces lysine 1774 with arginine.
Molecular consequence: missense variant.
Genome position (GRCh38, 1-based): chr9:136,502,335, T>C on the plus strand (A>G on the coding strand, the complement: NOTCH1 is on the minus strand). VCF-style: chr9-136502335-T-C. GRCh37 (hg19) VCF-style: chr9-139396787-T-C.
Other names: short protein forms K1774R.
Identifiers: ClinVar variation 1746834 (VCV001746834.6), dbSNP rs763760510, ClinGen allele CA5340331.

ClinVar aggregate classification (germline): Uncertain significance. Review status: criteria provided, multiple submitters, no conflicts (2 of 4 stars). 2 submissions from 2 submitters: Uncertain significance (2). Last evaluated 2025-10-19.

Conditions:
Adams-Oliver syndrome 5 (AOS5). Identifiers: Orphanet 974, MedGen C4014970, MONDO:0014459, OMIM 616028.
Familial thoracic aortic aneurysm and aortic dissection (TAAD). Also called: Thoracic aortic aneurysms and dissections. Identifiers: Orphanet 91387, MedGen C4707243, MONDO:0019625.

Allele frequency attached by ClinVar (database versions not stated): TOPMed below 0.00001; gnomAD 0.00001; gnomAD exomes 0.00001; ExAC 0.00002.
gnomAD v4.1: 11 of 1,612,370 alleles (0.00068%); highest among the groups gnomAD compares: Middle Eastern, 0.016%; no homozygotes.

Submissions (2):

Labcorp Genetics (formerly Invitae), Labcorp
Classification: Uncertain significance for Adams-Oliver syndrome 5. Last evaluated: 2025-10-19. Review status: criteria provided, single submitter. Criteria: Invitae Variant Classification Sherloc (09022015). Collection method: clinical testing. Allele origin: germline.
Comment: This sequence change replaces lysine, which is basic and polar, with arginine, which is basic and polar, at codon 1774 of the NOTCH1 protein (p.Lys1774Arg). This variant is present in population databases (rs763760510, gnomAD 0.002%). This variant has not been reported in the literature in individuals affected with NOTCH1-related conditions. ClinVar contains an entry for this variant (Variation ID: 1746834). Invitae Evidence Modeling of protein sequence and biophysical properties (such as structural, functional, and spatial information, amino acid conservation, physicochemical variation, residue mobility, and thermodynamic stability) indicates that this missense variant is not expected to disrupt NOTCH1 protein function with a negative predictive value of 80%. In summary, the available evidence is currently insufficient to determine the role of this variant in disease. Therefore, it has been classified as a Variant of Uncertain Significance.

Ambry Genetics
Classification: Uncertain significance for Familial thoracic aortic aneurysm and aortic dissection. Last evaluated: 2024-08-07. Review status: criteria provided, single submitter. Criteria: Ambry Variant Classification Scheme 2023. Collection method: clinical testing. Allele origin: germline.